The following is an entry in ClinVar:

ClinVar aggregate classification (germline): Conflicting classifications of pathogenicity. Review status: criteria provided, conflicting classifications (1 of 4 stars). 2 submissions from 2 submitters: Uncertain significance (1); Benign (1). Last evaluated 2025-09-24.

Conditions:
Epilepsy, childhood absence, susceptibility to, 6. Identifiers: Orphanet 64280, MedGen C2749872, MONDO:0012763, OMIM 611942.
Hyperaldosteronism, familial, type IV (HALD4). Also called: FH IV; ALDOSTERONISM, PRIMARY, AND HYPERTENSION. Identifiers: Orphanet 642671, MedGen C4310756, MONDO:0014875, OMIM 617027.
Idiopathic generalized epilepsy. Also called: EIG; Generalised epilepsy. Identifiers: MedGen C0270850, MONDO:0005579, OMIM 600669.

Allele frequency attached by ClinVar (database versions not stated): TOPMed 0.00013.
gnomAD v4.1: 26 of 1,597,416 alleles (0.0016%); highest among the groups gnomAD compares: African/African-American, 0.025%; no homozygotes.

Submissions (2):

Labcorp Genetics (formerly Invitae), Labcorp
Classification: Benign for Idiopathic generalized epilepsy; Hyperaldosteronism, familial, type IV. Last evaluated: 2025-09-24. Review status: criteria provided, single submitter. Criteria: Invitae Variant Classification Sherloc (09022015). Collection method: clinical testing. Allele origin: germline.

Fulgent Genetics
Classification: Uncertain significance for Epilepsy, childhood absence, susceptibility to, 6; Hyperaldosteronism, familial, type IV. Last evaluated: 2024-05-15. Review status: criteria provided, single submitter. Criteria: ACMG Guidelines, 2015. Collection method: clinical testing. Allele origin: germline.

NM_021098.3(CACNA1H):c.3737C>G (p.Ser1246Trp)

Gene: CACNA1H (calcium voltage-gated channel subunit alpha1 H; plus strand). Cytogenetic location: 16p13.3.
Variant type: single nucleotide variant.
Coding change: c.3737C>G on transcript NM_021098.3 (MANE Select); coding-DNA position 3737, C replaced by G.
Protein change: p.Ser1246Trp; replaces serine 1246 with tryptophan.
Molecular consequence: missense variant.
Genome position (GRCh38, 1-based): chr16:1,209,405, C>G. VCF-style: chr16-1209405-C-G. GRCh37 (hg19) VCF-style: chr16-1259405-C-G.
Other names: c.3737C>G, p.Ser1246Trp (NM_001005407.2); short protein forms S1246W.
Identifiers: ClinVar variation 529563 (VCV000529563.15), dbSNP rs571145188, ClinGen allele CA276665034.